The following is an entry in ClinVar:

NM_006231.4(POLE):c.4729G>C (p.Glu1577Gln)

Gene: POLE (DNA polymerase epsilon, catalytic subunit; minus strand). Cytogenetic location: 12q24.33.
Variant type: single nucleotide variant.
Coding change: c.4729G>C on transcript NM_006231.4 (MANE Select); coding-DNA position 4729, G replaced by C.
Protein change: p.Glu1577Gln; replaces glutamic acid 1577 with glutamine.
Molecular consequence: missense variant.
Genome position (GRCh38, 1-based): chr12:132,642,729, C>G on the plus strand (G>C on the coding strand, the complement: POLE is on the minus strand). VCF-style: chr12-132642729-C-G. GRCh37 (hg19) VCF-style: chr12-133219315-C-G.
Other names: short protein forms E1577Q.
Identifiers: ClinVar variation 2081243 (VCV002081243.4), dbSNP rs1593731650, ClinGen allele CA387378578.
Genomic context (GRCh38, chr12:132,642,729, plus strand): 5'-CCAGCCTCTTCAGCTCCCAGCTGGACTGAACAGCGATGAGTGTGGGCCCCCGGCGCTCCT[C>G]CTGGGTCAAGGCAAAATGGAAGAAAAGACCTGGGTGGACCCAGCCTCAAAGAAGATGGGG-3'
Protein context (NP_006222.2, residues 1567-1587): AIQRFLLAYK[Glu1577Gln]ERRGPTLIAV

ClinVar aggregate classification (germline): Uncertain significance (1 of 4 stars; one submission).

Submission:

Labcorp Genetics (formerly Invitae), Labcorp
Classification: Uncertain significance. Last evaluated: 2022-01-12. Review status: criteria provided, single submitter. Criteria: Invitae Variant Classification Sherloc (09022015). Collection method: clinical testing. Allele origin: germline.
Comment: This variant has not been reported in the literature in individuals affected with POLE-related conditions. This sequence change replaces glutamic acid, which is acidic and polar, with glutamine, which is neutral and polar, at codon 1577 of the POLE protein (p.Glu1577Gln). This variant is not present in population databases (gnomAD no frequency). Algorithms developed to predict the effect of missense changes on protein structure and function (SIFT, PolyPhen-2, Align-GVGD) all suggest that this variant is likely to be tolerated. Algorithms developed to predict the effect of sequence changes on RNA splicing suggest that this variant may disrupt the consensus splice site. In summary, the available evidence is currently insufficient to determine the role of this variant in disease. Therefore, it has been classified as a Variant of Uncertain Significance.